The following is an entry in ClinVar:

NM_003803.4(MYOM1):c.2308G>A (p.Gly770Arg)

Gene: MYOM1 (myomesin 1; minus strand). Cytogenetic location: 18p11.31.
Variant type: single nucleotide variant.
Coding change: c.2308G>A on transcript NM_003803.4 (MANE Select); coding-DNA position 2308, G replaced by A.
Protein change: p.Gly770Arg; replaces glycine 770 with arginine.
Molecular consequence: missense variant.
Genome position (GRCh38, 1-based): chr18:3,134,726, C>T on the plus strand (G>A on the coding strand, the complement: MYOM1 is on the minus strand). VCF-style: chr18-3134726-C-T. GRCh37 (hg19) VCF-style: chr18-3134724-C-T.
Other names: c.2308G>A, p.Gly770Arg (NM_019856.2); short protein forms G770R.
Identifiers: ClinVar variation 1019967 (VCV001019967.8), dbSNP rs192079897, ClinGen allele CA8874691.

ClinVar aggregate classification (germline): Uncertain significance (1 of 4 stars; one submission).

Conditions:
Hypertrophic cardiomyopathy. Also called: HYPERTROPHIC MYOCARDIOPATHY. Identifiers: Orphanet 217569, MedGen C0007194, MeSH D002312, MONDO:0005045, HP:0001639.

Allele frequency attached by ClinVar (database versions not stated): TOPMed 0.00001; gnomAD 0.00002 and 0.00003; gnomAD exomes 0.00002 and 0.00003; ExAC 0.00003.
gnomAD v4.1: 42 of 1,613,810 alleles (0.0026%); highest among the groups gnomAD compares: East Asian, 0.0045%; no homozygotes.

Submission:

Labcorp Genetics (formerly Invitae), Labcorp
Classification: Uncertain significance for Hypertrophic cardiomyopathy. Last evaluated: 2025-11-24. Review status: criteria provided, single submitter. Criteria: Invitae Variant Classification Sherloc (09022015). Collection method: clinical testing. Allele origin: germline.
Comment: This sequence change replaces glycine, which is neutral and non-polar, with arginine, which is basic and polar, at codon 770 of the MYOM1 protein (p.Gly770Arg). This variant is present in population databases (rs192079897, gnomAD 0.02%). This variant has not been reported in the literature in individuals affected with MYOM1-related conditions. ClinVar contains an entry for this variant (Variation ID: 1019967). Invitae Evidence Modeling of protein sequence and biophysical properties (such as structural, functional, and spatial information, amino acid conservation, physicochemical variation, residue mobility, and thermodynamic stability) indicates that this missense variant is expected to disrupt MYOM1 protein function with a positive predictive value of 80%. Algorithms developed to predict the effect of sequence changes on RNA splicing suggest that this variant may disrupt the consensus splice site. In summary, the available evidence is currently insufficient to determine the role of this variant in disease. Therefore, it has been classified as a Variant of Uncertain Significance.